The following is an entry in ClinVar:

NM_003480.4(MFAP5):c.367A>T (p.Ile123Phe)

Gene: MFAP5 (microfibril associated protein 5; minus strand). Cytogenetic location: 12p13.31.
Variant type: single nucleotide variant.
Coding change: c.367A>T on transcript NM_003480.4 (MANE Select); coding-DNA position 367, A replaced by T.
Protein change: p.Ile123Phe; replaces isoleucine 123 with phenylalanine.
Molecular consequence: missense variant. On other transcripts: non-coding transcript variant (2), intron variant (1).
Genome position (GRCh38, 1-based): chr12:8,649,543, T>A on the plus strand (A>T on the coding strand, the complement: MFAP5 is on the minus strand). VCF-style: chr12-8649543-T-A. GRCh37 (hg19) VCF-style: chr12-8802139-T-A.
Other names: c.337A>T, p.Ile113Phe (NM_001297709.2); c.301A>T, p.Ile101Phe (NM_001297710.2); c.292A>T, p.Ile98Phe (NM_001297711.2); c.218-1340A>T (NM_001297712.2); short protein forms I101F, I98F, I113F, I123F.
Identifiers: ClinVar variation 2167614 (VCV002167614.4), dbSNP rs1941775175, ClinGen allele CA384038913.

ClinVar aggregate classification (germline): Uncertain significance (1 of 4 stars; one submission).

Submission:

Labcorp Genetics (formerly Invitae), Labcorp
Classification: Uncertain significance. Last evaluated: 2022-11-15. Review status: criteria provided, single submitter. Criteria: Invitae Variant Classification Sherloc (09022015). Collection method: clinical testing. Allele origin: germline.
Comment: In summary, the available evidence is currently insufficient to determine the role of this variant in disease. Therefore, it has been classified as a Variant of Uncertain Significance. Algorithms developed to predict the effect of missense changes on protein structure and function are either unavailable or do not agree on the potential impact of this missense change (SIFT: "Deleterious"; PolyPhen-2: "Probably Damaging"; Align-GVGD: "Class C0"). This variant has not been reported in the literature in individuals affected with MFAP5-related conditions. This variant is not present in population databases (gnomAD no frequency). This sequence change replaces isoleucine, which is neutral and non-polar, with phenylalanine, which is neutral and non-polar, at codon 123 of the MFAP5 protein (p.Ile123Phe).